The following is an entry in ClinVar:

ClinVar aggregate classification (germline): Conflicting classifications of pathogenicity. Review status: criteria provided, conflicting classifications (1 of 4 stars). 2 submissions from 2 submitters: Uncertain significance (1); Likely benign (1). Last evaluated 2025-04-09.

Conditions:
Hereditary breast ovarian cancer syndrome. Also called: Hereditary breast and ovarian cancer; Breast and ovarian cancer; Hereditary breast and/or ovarian cancer syndrome; Hereditary breast and ovarian cancer syndrome; BRCA1- and BRCA2-Associated Hereditary Breast and Ovarian Cancer; Hereditary breast and ovarian cancer syndrome (HBOC). Identifiers: Orphanet 145, MedGen C0677776, MeSH D061325, MONDO:0003582. Disease mechanism: loss of function.
Hereditary cancer-predisposing syndrome. Also called: Tumor predisposition; Hereditary Cancer Syndrome; Neoplastic Syndromes, Hereditary; Hereditary neoplastic syndrome. Identifiers: Orphanet 140162, MedGen C0027672, MeSH D009386, MONDO:0015356.

Allele frequency attached by ClinVar (database versions not stated): gnomAD exomes below 0.00001; TOPMed below 0.00001; ExAC 0.00001.
gnomAD v4.1: 1 of 1,614,172 alleles (0.000062%); highest among the groups gnomAD compares: Non-Finnish European, 0.000085%; no homozygotes.

Submissions (2):

Ambry Genetics
Classification: Likely benign for Hereditary cancer-predisposing syndrome. Last evaluated: 2025-04-09. Review status: criteria provided, single submitter. Criteria: Ambry Variant Classification Scheme 2023. Collection method: clinical testing. Allele origin: germline.

Labcorp Genetics (formerly Invitae), Labcorp
Classification: Uncertain significance for Hereditary breast ovarian cancer syndrome. Last evaluated: 2024-08-06. Review status: criteria provided, single submitter. Criteria: Invitae Variant Classification Sherloc (09022015). Collection method: clinical testing. Allele origin: germline.
Comment: This sequence change replaces glutamic acid, which is acidic and polar, with lysine, which is basic and polar, at codon 3359 of the BRCA2 protein (p.Glu3359Lys). This variant is present in population databases (rs777397727, gnomAD 0.0009%). This missense change has been observed in individual(s) with breast cancer (PMID: 28961279). ClinVar contains an entry for this variant (Variation ID: 821998). Advanced modeling of protein sequence and biophysical properties (such as structural, functional, and spatial information, amino acid conservation, physicochemical variation, residue mobility, and thermodynamic stability) performed at Invitae indicates that this missense variant is not expected to disrupt BRCA2 protein function with a negative predictive value of 95%. In summary, the available evidence is currently insufficient to determine the role of this variant in disease. Therefore, it has been classified as a Variant of Uncertain Significance.

Literature cited by the submitters: PubMed 28961279 (cited by Ambry Genetics and Labcorp Genetics (formerly Invitae), Labcorp).

NM_000059.4(BRCA2):c.10075G>A (p.Glu3359Lys)

Gene: BRCA2 (BRCA2 DNA repair associated; plus strand). Cytogenetic location: 13q13.1.
Variant type: single nucleotide variant.
Coding change: c.10075G>A on transcript NM_000059.4 (MANE Select); coding-DNA position 10075, G replaced by A.
Protein change: p.Glu3359Lys; replaces glutamic acid 3359 with lysine.
Molecular consequence: missense variant.
Genome position (GRCh38, 1-based): chr13:32,398,588, G>A. VCF-style: chr13-32398588-G-A. GRCh37 (hg19) VCF-style: chr13-32972725-G-A.
Other names: short protein forms E3359K.
Identifiers: ClinVar variation 821998 (VCV000821998.7), dbSNP rs777397727, ClinGen allele CA6941470.
Genomic context (GRCh38, chr13:32,398,588, plus strand): 5'-ATAGCTGACGAAGAACTTGCATTGATAAATACCCAAGCTCTTTTGTCTGGTTCAACAGGA[G>A]AAAAACAATTTATATCTGTCAGTGAATCCACTAGGACTGCTCCCACCAGTTCAGAAGATT-3'
Protein context (NP_000050.3, residues 3349-3369): TQALLSGSTG[Glu3359Lys]KQFISVSEST